The following is an entry in ClinVar:

NM_017739.4(POMGNT1):c.1694_1695del (p.Ser565fs)

Genes: POMGNT1 (protein O-linked mannose N-acetylglucosaminyltransferase 1 (beta 1,2-); minus strand), TSPAN1 (tetraspanin 1; plus strand). Cytogenetic location: 1p34.1.
Variant type: Microsatellite.
Coding change: c.1694_1695del on transcript NM_017739.4 (MANE Select); coding-DNA positions 1694 to 1695, 2 bases deleted (CT; older notation c.1694_1695delCT).
Protein change: p.Ser565fs; shifts the reading frame from serine 565.
Molecular consequence: frameshift variant.
Genome position (GRCh38, 1-based): chr1:46,189,944-46,189,945, AG deleted on the plus strand (CT on the coding strand, the reverse complement: POMGNT1 is on the minus strand); deleting any 2 consecutive bases within chr1:46,189,944-46,189,947 gives the same sequence; the c. name uses the placement nearest the transcript's 3' end. VCF-style (leftmost placement, unchanged base first): chr1-46189943-AAG-A. GRCh37 (hg19) VCF-style: chr1-46655615-AAG-A.
Other names: c.1694_1695delCT (NM_017739.3); c.1694_1695del, p.Ser565fs (NM_001243766.2, NM_001410783.1); c.1626_1627CT[1], p.Ser543Phefs (NM_001290129.3); c.1265_1266del, p.Ser422fs (NM_001290130.2); short protein forms S543fs, S422fs, S565fs.
Identifiers: ClinVar variation 370969 (VCV000370969.10), dbSNP rs1057516903, ClinGen allele CA16040744.

ClinVar aggregate classification (germline): Pathogenic/Likely pathogenic. Review status: criteria provided, multiple submitters, no conflicts (2 of 4 stars). 3 submissions from 3 submitters: Pathogenic (1); Likely pathogenic (1). 1 of the submissions does not count toward it. Last evaluated 2022-08-19.

Conditions:
Retinitis pigmentosa 76 (RP76). Identifiers: MedGen C4310704, MONDO:0014929, OMIM 617123.
Muscular dystrophy-dystroglycanopathy (congenital with brain and eye anomalies), type A3. Also called: Muscular dystrophy-dystroglycanopathy (congenital with brain and eye anomalies), type A, 3; Congenital muscular dystrophy-dystroglycanopathy with brain and eye anomalies, type A3; WALKER-WARBURG SYNDROME OR MUSCLE-EYE-BRAIN DISEASE, POMGNT1-RELATED. Identifiers: MedGen C3151519, MONDO:0009667, OMIM 253280.
Autosomal recessive limb-girdle muscular dystrophy type 2O. Also called: Limb-Girdle Muscular Dystrophy Type 3C; MUSCULAR DYSTROPHY-DYSTROGLYCANOPATHY, LIMB-GIRDLE, POMGNT1-RELATED; MUSCULAR DYSTROPHY-DYSTROGLYCANOPATHY (LIMB-GIRDLE), TYPE C, 3. Identifiers: Orphanet 206564, MedGen C3150417, MONDO:0013161, OMIM 613157.
Muscular dystrophy-dystroglycanopathy (congenital with impaired intellectual development), type B, 3. Also called: Muscular dystrophy-dystroglycanopathy (congenital with intellectual disability), type B3; MUSCULAR DYSTROPHY, CONGENITAL, POMGNT1-RELATED. Identifiers: MedGen C3150412, MONDO:0013155, OMIM 613151.

Submissions (3):

Labcorp Genetics (formerly Invitae), Labcorp
Classification: Pathogenic for Autosomal recessive limb-girdle muscular dystrophy type 2O; Muscular dystrophy-dystroglycanopathy (congenital with impaired intellectual development), type B, 3. Last evaluated: 2022-08-19. Review status: criteria provided, single submitter. Criteria: Invitae Variant Classification Sherloc (09022015). Collection method: clinical testing. Allele origin: germline.
Comment: For these reasons, this variant has been classified as Pathogenic. Algorithms developed to predict the effect of sequence changes on RNA splicing suggest that this variant may disrupt the consensus splice site. ClinVar contains an entry for this variant (Variation ID: 370969). This variant has not been reported in the literature in individuals affected with POMGNT1-related conditions. This variant is not present in population databases (gnomAD no frequency). This sequence change creates a premature translational stop signal (p.Ser565Phefs*20) in the POMGNT1 gene. It is expected to result in an absent or disrupted protein product. Loss-of-function variants in POMGNT1 are known to be pathogenic (PMID: 19299310, 20816175, 21447391, 26908613, 27391550).

Fulgent Genetics
Classification: Likely pathogenic for Muscular dystrophy-dystroglycanopathy (congenital with brain and eye anomalies), type A3; Muscular dystrophy-dystroglycanopathy (congenital with impaired intellectual development), type B, 3; Autosomal recessive limb-girdle muscular dystrophy type 2O; Retinitis pigmentosa 76. Last evaluated: 2022-02-17. Review status: criteria provided, single submitter. Criteria: ACMG Guidelines, 2015. Collection method: clinical testing. Allele origin: unknown.

Counsyl
Classification: Likely pathogenic for Muscular dystrophy-dystroglycanopathy (congenital with brain and eye anomalies), type A3. Last evaluated: 2016-05-24. Review status: no assertion criteria provided. Collection method: clinical testing. Allele origin: unknown. Not counted in ClinVar's aggregate classification.

Literature cited by the submitters: PubMed 19299310 (cited by Labcorp Genetics (formerly Invitae), Labcorp); PubMed 20816175 (cited by Labcorp Genetics (formerly Invitae), Labcorp); PubMed 21447391 (cited by Labcorp Genetics (formerly Invitae), Labcorp); PubMed 26908613 (cited by Labcorp Genetics (formerly Invitae), Labcorp); PubMed 27391550 (cited by Labcorp Genetics (formerly Invitae), Labcorp).